The following is an entry in ClinVar:

ClinVar aggregate classification (germline): Uncertain significance (1 of 4 stars; one submission).

Conditions:
Combined immunodeficiency due to DOCK8 deficiency (HIES2). Also called: HIES autosomal recessive; Hyper-IgE recurrent infection syndrome, autosomal recessive; HYPER-IgE RECURRENT INFECTION SYNDROME 2, AUTOSOMAL RECESSIVE; HYPER-IgE SYNDROME 2, AUTOSOMAL RECESSIVE, WITH RECURRENT INFECTIONS; DOCK8 Deficiency. Identifiers: Orphanet 217390, MedGen C4722305, MONDO:0009478, OMIM 243700.

Submission:

Labcorp Genetics (formerly Invitae), Labcorp
Classification: Uncertain significance for Combined immunodeficiency due to DOCK8 deficiency. Last evaluated: 2024-06-13. Review status: criteria provided, single submitter. Criteria: Invitae Variant Classification Sherloc (09022015). Collection method: clinical testing. Allele origin: germline.
Comment: This sequence change replaces isoleucine, which is neutral and non-polar, with methionine, which is neutral and non-polar, at codon 518 of the DOCK8 protein (p.Ile518Met). This variant is present in population databases (rs553095827, gnomAD 0.003%). This variant has not been reported in the literature in individuals affected with DOCK8-related conditions. Advanced modeling of protein sequence and biophysical properties (such as structural, functional, and spatial information, amino acid conservation, physicochemical variation, residue mobility, and thermodynamic stability) performed at Invitae indicates that this missense variant is not expected to disrupt DOCK8 protein function with a negative predictive value of 80%. In summary, the available evidence is currently insufficient to determine the role of this variant in disease. Therefore, it has been classified as a Variant of Uncertain Significance.

NM_203447.4(DOCK8):c.1554C>G (p.Ile518Met)

Gene: DOCK8 (dedicator of cytokinesis 8; plus strand). Cytogenetic location: 9p24.3.
Variant type: single nucleotide variant.
Coding change: c.1554C>G on transcript NM_203447.4 (MANE Select); coding-DNA position 1554, C replaced by G.
Protein change: p.Ile518Met; replaces isoleucine 518 with methionine.
Molecular consequence: missense variant.
Genome position (GRCh38, 1-based): chr9:340,196, C>G. VCF-style: chr9-340196-C-G. GRCh37 (hg19) VCF-style: chr9-340196-C-G.
Other names: c.1350C>G, p.Ile450Met (NM_001190458.2, NM_001193536.2); short protein forms I450M, I518M.
Identifiers: ClinVar variation 3613738 (VCV003613738.2).